The following is an entry in ClinVar:

NM_032383.5(HPS3):c.541A>G (p.Ile181Val)

Gene: HPS3 (HPS3 biogenesis of lysosomal organelles complex 2 subunit 1; plus strand). Cytogenetic location: 3q24.
Variant type: single nucleotide variant.
Coding change: c.541A>G on transcript NM_032383.5 (MANE Select); coding-DNA position 541, A replaced by G.
Protein change: p.Ile181Val; replaces isoleucine 181 with valine.
Molecular consequence: missense variant. On other transcripts: intron variant (1).
Genome position (GRCh38, 1-based): chr3:149,140,327, A>G. VCF-style: chr3-149140327-A-G. GRCh37 (hg19) VCF-style: chr3-148858114-A-G.
Other names: c.218-690A>G (NM_001308258.2); short protein forms I181V.
Identifiers: ClinVar variation 1984806 (VCV001984806.1), dbSNP rs1039060115, ClinGen allele CA85493312.

ClinVar aggregate classification (germline): Uncertain significance (1 of 4 stars; one submission).

Allele frequency attached by ClinVar (database versions not stated): gnomAD exomes below 0.00001.
gnomAD v4.1: 2 of 1,613,626 alleles (0.00012%); highest among the groups gnomAD compares: Non-Finnish European, 0.00017%; no homozygotes.

Submission:

Labcorp Genetics (formerly Invitae), Labcorp
Classification: Uncertain significance. Last evaluated: 2021-08-20. Review status: criteria provided, single submitter. Criteria: Invitae Variant Classification Sherloc (09022015). Collection method: clinical testing. Allele origin: germline.
Comment: This sequence change replaces isoleucine with valine at codon 181 of the HPS3 protein (p.Ile181Val). The isoleucine residue is weakly conserved and there is a small physicochemical difference between isoleucine and valine. This variant is not present in population databases (ExAC no frequency). This variant has not been reported in the literature in individuals affected with HPS3-related conditions. Algorithms developed to predict the effect of missense changes on protein structure and function output the following: SIFT: "Tolerated"; PolyPhen-2: "Benign"; Align-GVGD: "Class C0". The valine amino acid residue is found in multiple mammalian species, which suggests that this missense change does not adversely affect protein function. In summary, the available evidence is currently insufficient to determine the role of this variant in disease. Therefore, it has been classified as a Variant of Uncertain Significance.